The following is an entry in ClinVar:

ClinVar aggregate classification (germline): Uncertain significance (1 of 4 stars; one submission).

Conditions:
Left ventricular noncompaction 8 (LVNC8). Identifiers: Orphanet 154, Orphanet 54260, MedGen C3809288, MONDO:0014152, OMIM 615373.

Allele frequency attached by ClinVar (database versions not stated): gnomAD exomes below 0.00001.
gnomAD v4.1: 2 of 1,613,588 alleles (0.00012%); highest among the groups gnomAD compares: Admixed American, 0.0017%; no homozygotes.

Submission:

Labcorp Genetics (formerly Invitae), Labcorp
Classification: Uncertain significance for Left ventricular noncompaction 8. Last evaluated: 2022-01-28. Review status: criteria provided, single submitter. Criteria: Invitae Variant Classification Sherloc (09022015). Collection method: clinical testing. Allele origin: germline.
Comment: In summary, the available evidence is currently insufficient to determine the role of this variant in disease. Therefore, it has been classified as a Variant of Uncertain Significance. Algorithms developed to predict the effect of missense changes on protein structure and function (SIFT, PolyPhen-2, Align-GVGD) all suggest that this variant is likely to be tolerated. This variant has not been reported in the literature in individuals affected with PRDM16-related conditions. This variant is not present in population databases (gnomAD no frequency). This sequence change replaces cysteine, which is neutral and slightly polar, with arginine, which is basic and polar, at codon 587 of the PRDM16 protein (p.Cys587Arg).

NM_022114.4(PRDM16):c.1759T>C (p.Cys587Arg)

Gene: PRDM16 (PR/SET domain 16; plus strand). Cytogenetic location: 1p36.32.
Variant type: single nucleotide variant.
Coding change: c.1759T>C on transcript NM_022114.4 (MANE Select); coding-DNA position 1759, T replaced by C.
Protein change: p.Cys587Arg; replaces cysteine 587 with arginine.
Molecular consequence: missense variant.
Genome position (GRCh38, 1-based): chr1:3,411,956, T>C. VCF-style: chr1-3411956-T-C. GRCh37 (hg19) VCF-style: chr1-3328520-T-C.
Other names: c.1759T>C, p.Cys587Arg (NM_199454.3); short protein forms C587R.
Identifiers: ClinVar variation 1967033 (VCV001967033.5), dbSNP rs1557661423, ClinGen allele CA337998956.